The following is an entry in ClinVar:

NM_000245.4(MET):c.3765G>C (p.Leu1255=)

Gene: MET (MET proto-oncogene, receptor tyrosine kinase; plus strand). Cytogenetic location: 7q31.2.
Variant type: single nucleotide variant.
Coding change: c.3765G>C on transcript NM_000245.4 (MANE Select); coding-DNA position 3765, G replaced by C.
Protein change: p.Leu1255=; no amino-acid change (leucine 1255 retained).
Molecular consequence: synonymous variant.
Genome position (GRCh38, 1-based): chr7:116,783,436, G>C. VCF-style: chr7-116783436-G-C. GRCh37 (hg19) VCF-style: chr7-116423490-G-C.
Other names: c.3819G>C, p.Leu1273= (NM_001127500.3); c.2475G>C, p.Leu825= (NM_001324402.2); c.3819G>C (NM_001127500.1).
Identifiers: ClinVar variation 1107997 (VCV001107997.11), dbSNP rs1584965685, ClinGen allele CA457219528.

ClinVar aggregate classification (germline): Benign/Likely benign. Review status: criteria provided, multiple submitters, no conflicts (2 of 4 stars). 3 submissions from 3 submitters: Benign (1); Likely benign (2). Last evaluated 2025-07-24.

Conditions:
Hereditary cancer-predisposing syndrome. Also called: Tumor predisposition; Neoplastic Syndromes, Hereditary; Hereditary Cancer Syndrome; Hereditary neoplastic syndrome. Identifiers: Orphanet 140162, MedGen C0027672, MeSH D009386, MONDO:0015356.
Papillary renal cell carcinoma type 1 (RCCP1). Also called: RENAL CELL CARCINOMA, PAPILLARY, 1, SOMATIC; Renal adenocarcinoma; Renal cell carcinoma 1; Renal cell carcinoma, somatic. Identifiers: Orphanet 47044, MedGen C1336839, OMIM 605074, HP:0011797.
Renal cell carcinoma. Identifiers: Orphanet 217071, MedGen C0007134, MeSH D002292, MONDO:0005086, HP:0005584.

Allele frequency attached by ClinVar (database versions not stated): TOPMed below 0.00001.

Submissions (3):

Labcorp Genetics (formerly Invitae), Labcorp
Classification: Likely benign for Renal cell carcinoma. Last evaluated: 2025-07-24. Review status: criteria provided, single submitter. Criteria: Invitae Variant Classification Sherloc (09022015). Collection method: clinical testing. Allele origin: germline.

Myriad Genetics, Inc.
Classification: Benign for Papillary renal cell carcinoma type 1. Last evaluated: 2024-11-14. Review status: criteria provided, single submitter. Criteria: Myriad Autosomal Dominant, Autosomal Recessive and X-Linked Classification Criteria (2023). Collection method: clinical testing. Allele origin: unknown.
Comment: This variant is considered benign. This variant is a silent/synonymous amino acid change and it is not expected to impact splicing.

Ambry Genetics
Classification: Likely benign for Hereditary cancer-predisposing syndrome. Last evaluated: 2023-02-03. Review status: criteria provided, single submitter. Criteria: Ambry Variant Classification Scheme 2023. Collection method: clinical testing. Allele origin: germline.